The following is an entry in ClinVar:

NM_001854.4(COL11A1):c.1791+4A>G

Gene: COL11A1 (collagen type XI alpha 1 chain; minus strand). Cytogenetic location: 1p21.1.
Variant type: single nucleotide variant.
Coding change: c.1791+4A>G on transcript NM_001854.4 (MANE Select); 4 bases into the intron after coding-DNA position 1791, A replaced by G.
Molecular consequence: intron variant.
Genome position (GRCh38, 1-based): chr1:103,006,064, T>C on the plus strand (A>G on the coding strand, the complement: COL11A1 is on the minus strand). VCF-style: chr1-103006064-T-C. GRCh37 (hg19) VCF-style: chr1-103471620-T-C.
Other names: c.1674+4A>G (NM_001190709.2); c.1827+4A>G (NM_080629.3); c.1443+4A>G (NM_080630.4).
Identifiers: ClinVar variation 2421543 (VCV002421543.7), dbSNP rs1331147323, ClinGen allele CA524902878.

ClinVar aggregate classification (germline): Uncertain significance. Review status: criteria provided, multiple submitters, no conflicts (2 of 4 stars). 2 submissions from 2 submitters: Uncertain significance (2). Last evaluated 2022-08-30.

Allele frequency attached by ClinVar (database versions not stated): TOPMed below 0.00001; gnomAD exomes 0.00001.
gnomAD v4.1: 3 of 1,614,006 alleles (0.00019%); highest among the groups gnomAD compares: Admixed American, 0.0017%; no homozygotes.

Submissions (2):

Labcorp Genetics (formerly Invitae), Labcorp
Classification: Uncertain significance. Last evaluated: 2022-08-30. Review status: criteria provided, single submitter. Criteria: Invitae Variant Classification Sherloc (09022015). Collection method: clinical testing. Allele origin: germline.
Comment: In summary, the available evidence is currently insufficient to determine the role of this variant in disease. Therefore, it has been classified as a Variant of Uncertain Significance. Variants that disrupt the consensus splice site are a relatively common cause of aberrant splicing (PMID: 17576681, 9536098). Algorithms developed to predict the effect of sequence changes on RNA splicing suggest that this variant may disrupt the consensus splice site. This variant has not been reported in the literature in individuals affected with COL11A1-related conditions. This variant is present in population databases (no rsID available, gnomAD 0.0009%). This sequence change falls in intron 17 of the COL11A1 gene. It does not directly change the encoded amino acid sequence of the COL11A1 protein. It affects a nucleotide within the consensus splice site.

Blueprint Genetics
Classification: Uncertain significance. Last evaluated: 2019-03-13. Review status: criteria provided, single submitter. Criteria: ACMG Guidelines, 2015. Collection method: clinical testing. Allele origin: germline.

Literature cited by the submitters: PubMed 17576681 (cited by Labcorp Genetics (formerly Invitae), Labcorp); PubMed 9536098 (cited by Labcorp Genetics (formerly Invitae), Labcorp).